The following is an entry in ClinVar:

NM_000632.4(ITGAM):c.1826T>C (p.Val609Ala)

Gene: ITGAM (integrin subunit alpha M; plus strand). Cytogenetic location: 16p11.2.
Variant type: single nucleotide variant.
Coding change: c.1826T>C on transcript NM_000632.4 (MANE Select); coding-DNA position 1826, T replaced by C.
Protein change: p.Val609Ala; replaces valine 609 with alanine.
Molecular consequence: missense variant.
Genome position (GRCh38, 1-based): chr16:31,321,359, T>C. VCF-style: chr16-31321359-T-C. GRCh37 (hg19) VCF-style: chr16-31332680-T-C.
Other names: c.1829T>C, p.Val610Ala (NM_001145808.2); short protein forms V609A, V610A.
Identifiers: ClinVar variation 2879791 (VCV002879791.3), dbSNP rs2080448250, ClinGen allele CA395681308.

ClinVar aggregate classification (germline): Uncertain significance (1 of 4 stars; one submission).

Submission:

Labcorp Genetics (formerly Invitae), Labcorp
Classification: Uncertain significance. Last evaluated: 2023-08-09. Review status: criteria provided, single submitter. Criteria: Invitae Variant Classification Sherloc (09022015). Collection method: clinical testing. Allele origin: germline.
Comment: This variant has not been reported in the literature in individuals affected with ITGAM-related conditions. This variant is not present in population databases (gnomAD no frequency). This sequence change replaces valine, which is neutral and non-polar, with alanine, which is neutral and non-polar, at codon 609 of the ITGAM protein (p.Val609Ala). Algorithms developed to predict the effect of missense changes on protein structure and function output the following: SIFT: "Not Available"; PolyPhen-2: "Benign"; Align-GVGD: "Not Available". The alanine amino acid residue is found in multiple mammalian species, which suggests that this missense change does not adversely affect protein function. In summary, the available evidence is currently insufficient to determine the role of this variant in disease. Therefore, it has been classified as a Variant of Uncertain Significance.